The following is an entry in ClinVar:

NM_201596.3(CACNB2):c.1642G>A (p.Gly548Ser)

Gene: CACNB2 (calcium voltage-gated channel auxiliary subunit beta 2; plus strand). Cytogenetic location: 10p12.31.
Variant type: single nucleotide variant.
Coding change: c.1642G>A on transcript NM_201596.3 (MANE Select); coding-DNA position 1642, G replaced by A.
Protein change: p.Gly548Ser; replaces glycine 548 with serine.
Molecular consequence: missense variant.
Genome position (GRCh38, 1-based): chr10:18,539,383, G>A. VCF-style: chr10-18539383-G-A. GRCh37 (hg19) VCF-style: chr10-18828312-G-A.
Other names: p.G493S:GGC>AGC; c.1477G>A, p.Gly493Ser (NM_000724.4); c.1444G>A, p.Gly482Ser (NM_001167945.2); c.1363G>A, p.Gly455Ser (NM_001330060.2); c.1498G>A, p.Gly500Ser (NM_201570.3); c.1558G>A, p.Gly520Ser (NM_201571.4); c.1486G>A, p.Gly496Ser (NM_201572.4); c.1480G>A, p.Gly494Ser (NM_201590.3); and 2 more; short protein forms G494S, G520S, G548S, G493S, G496S, G510S, G524S, G455S.
Identifiers: ClinVar variation 180290 (VCV000180290.19), dbSNP rs730880059, ClinGen allele CA301862.

ClinVar aggregate classification (germline): Uncertain significance. Review status: criteria provided, multiple submitters, no conflicts (2 of 4 stars). 5 submissions from 5 submitters: Uncertain significance (5). Last evaluated 2026-05-22.

Conditions:
CACNB2-related disorder. Also called: CACNB2-related condition.
Cardiovascular phenotype. Identifiers: MedGen CN230736.
Brugada syndrome 4 (BRGDA4). Identifiers: Orphanet 130, MedGen C2678477, MONDO:0012743, OMIM 611876.

Allele frequency attached by ClinVar (database versions not stated): ExAC 0.00005; gnomAD exomes 0.00001 and 0.00003; TOPMed 0.00002; gnomAD 0.00003 and 0.00004.
gnomAD v4.1: 24 of 1,613,876 alleles (0.0015%); highest among the groups gnomAD compares: Non-Finnish European, 0.0019%; no homozygotes.

Submissions (5):

PreventionGenetics, part of Exact Sciences
Classification: Uncertain significance for CACNB2-related condition. Last evaluated: 2026-05-22. Review status: criteria provided, single submitter. Criteria: ACMG Guidelines, 2015. Collection method: clinical testing. Allele origin: germline.
Comment: The CACNB2 c.1480G>A variant is predicted to result in the amino acid substitution p.Gly494Ser. To our knowledge, this variant has not been reported in the literature in individuals with CACNB2-related disorders. This variant is reported in 0.0062% of alleles in individuals of European (Non-Finnish) descent in gnomAD. At this time, the clinical significance of this variant is uncertain due to the absence of conclusive functional and genetic evidence.

Labcorp Genetics (formerly Invitae), Labcorp
Classification: Uncertain significance for Brugada syndrome 4. Last evaluated: 2024-10-16. Review status: criteria provided, single submitter. Criteria: Invitae Variant Classification Sherloc (09022015). Collection method: clinical testing. Allele origin: germline.
Comment: This sequence change replaces glycine, which is neutral and non-polar, with serine, which is neutral and polar, at codon 494 of the CACNB2 protein (p.Gly494Ser). This variant is present in population databases (rs730880059, gnomAD 0.006%). This variant has not been reported in the literature in individuals affected with CACNB2-related conditions. ClinVar contains an entry for this variant (Variation ID: 180290). Invitae Evidence Modeling of protein sequence and biophysical properties (such as structural, functional, and spatial information, amino acid conservation, physicochemical variation, residue mobility, and thermodynamic stability) indicates that this missense variant is not expected to disrupt CACNB2 protein function with a negative predictive value of 80%. In summary, the available evidence is currently insufficient to determine the role of this variant in disease. Therefore, it has been classified as a Variant of Uncertain Significance.

Ambry Genetics
Classification: Uncertain significance for Cardiovascular phenotype. Last evaluated: 2023-09-06. Review status: criteria provided, single submitter. Criteria: Ambry Variant Classification Scheme 2023. Collection method: clinical testing. Allele origin: germline.
Comment: The p.G494S variant (also known as c.1480G>A), located in coding exon 13 of the CACNB2 gene, results from a G to A substitution at nucleotide position 1480. The glycine at codon 494 is replaced by serine, an amino acid with similar properties. This amino acid position is highly conserved in available vertebrate species. In addition, the in silico prediction for this alteration is inconclusive. Since supporting evidence is limited at this time, the clinical significance of this alteration remains unclear.

GeneDx
Classification: Uncertain significance. Last evaluated: 2023-05-25. Review status: criteria provided, single submitter. Criteria: GeneDx Variant Classification Process June 2021. Collection method: clinical testing. Allele origin: germline. Affected: yes.
Comment: Has not been previously published as pathogenic or benign to our knowledge; In silico analysis supports that this missense variant does not alter protein structure/function; Variants in candidate genes are classified as variants of uncertain significance in accordance with ACMG guidelines (Richards et al., 2015); This variant is associated with the following publications: (PMID: 31589614)

Fulgent Genetics
Classification: Uncertain significance for Brugada syndrome 4. Last evaluated: 2022-02-09. Review status: criteria provided, single submitter. Criteria: ACMG Guidelines, 2015. Collection method: clinical testing. Allele origin: unknown.